The following is an entry in ClinVar:

NM_206933.4(USH2A):c.8993_8994del (p.Ser2998fs)

Gene: USH2A (usherin; minus strand). Cytogenetic location: 1q41.
Variant type: Microsatellite.
Coding change: c.8993_8994del on transcript NM_206933.4 (MANE Select); coding-DNA positions 8993 to 8994, 2 bases deleted (CT; older notation c.8993_8994delCT).
Protein change: p.Ser2998fs; shifts the reading frame from serine 2998.
Molecular consequence: frameshift variant.
Genome position (GRCh38, 1-based): chr1:215,845,885-215,845,886, AG deleted on the plus strand (CT on the coding strand, the reverse complement: USH2A is on the minus strand); deleting any 2 consecutive bases within chr1:215,845,885-215,845,889 gives the same sequence; the c. name uses the placement nearest the transcript's 3' end. VCF-style (leftmost placement, unchanged base first): chr1-215845884-CAG-C. GRCh37 (hg19) VCF-style: chr1-216019226-CAG-C.
Other names: short protein forms S2998fs.
Identifiers: ClinVar variation 1068852 (VCV001068852.7), dbSNP rs2102823161, ClinGen allele CA2580611546.
Genomic context (GRCh38, chr1:215,845,884, plus strand): 5'-CCCCATCGCAAGTGGTTGCATGAAGTCCTGCACTGTTGATGCTGTGGACTCCATTGAAGA[CAG>C]AGATAAAGATCCAATACTCTGTGTTTGGCTTTAGGTGGCCAATGACATGAGAGTTTACAT-3'

ClinVar aggregate classification (germline): Pathogenic (1 of 4 stars; one submission).

Submission:

Labcorp Genetics (formerly Invitae), Labcorp
Classification: Pathogenic. Last evaluated: 2020-08-20. Review status: criteria provided, single submitter. Criteria: Invitae Variant Classification Sherloc (09022015). Collection method: clinical testing. Allele origin: germline.
Comment: This sequence change creates a premature translational stop signal (p.Ser2998Cysfs*54) in the USH2A gene. It is expected to result in an absent or disrupted protein product. This variant is not present in population databases (ExAC no frequency). This variant has not been reported in the literature in individuals with USH2A-related conditions. Loss-of-function variants in USH2A are known to be pathogenic (PMID: 10729113, 10909849, 20507924, 25649381). For these reasons, this variant has been classified as Pathogenic.

Literature cited by the submitters: PubMed 10729113; PubMed 10909849; PubMed 20507924; PubMed 25649381.